The following is an entry in ClinVar:

NM_001457.4(FLNB):c.3068A>G (p.His1023Arg)

Gene: FLNB (filamin B; plus strand). Cytogenetic location: 3p14.3.
Variant type: single nucleotide variant.
Coding change: c.3068A>G on transcript NM_001457.4 (MANE Select); coding-DNA position 3068, A replaced by G.
Protein change: p.His1023Arg; replaces histidine 1023 with arginine.
Molecular consequence: missense variant.
Genome position (GRCh38, 1-based): chr3:58,121,445, A>G. VCF-style: chr3-58121445-A-G. GRCh37 (hg19) VCF-style: chr3-58107172-A-G.
Other names: c.3068A>G, p.His1023Arg (NM_001164317.2, NM_001164318.2, NM_001164319.2); c.3068A>G (NM_001457.3); short protein forms H1023R.
Identifiers: ClinVar variation 2109772 (VCV002109772.5), dbSNP rs1576754799, ClinGen allele CA353347970.
Genomic context (GRCh38, chr3:58,121,445, plus strand): 5'-CGGCCAAGTTCATCCCTCGGGAGGAGGGGCTGTATGCTGTAGACGTGACCTACGATGGAC[A>G]CCCTGTGCCCGGGAGCCCCTACACAGTGGAGGCCTCGCTGCCACCAGATCCCAGCAAGGT-3'
Protein context (NP_001448.2, residues 1013-1033): LYAVDVTYDG[His1023Arg]PVPGSPYTVE

ClinVar aggregate classification (germline): Uncertain significance. Review status: criteria provided, multiple submitters, no conflicts (2 of 4 stars). 2 submissions from 2 submitters: Uncertain significance (2). Last evaluated 2023-10-20.

Allele frequency attached by ClinVar (database versions not stated): TOPMed 0.00001.

Submissions (2):

Labcorp Genetics (formerly Invitae), Labcorp
Classification: Uncertain significance. Last evaluated: 2023-10-20. Review status: criteria provided, single submitter. Criteria: Invitae Variant Classification Sherloc (09022015). Collection method: clinical testing. Allele origin: germline.
Comment: This sequence change replaces histidine, which is basic and polar, with arginine, which is basic and polar, at codon 1023 of the FLNB protein (p.His1023Arg). This variant is not present in population databases (gnomAD no frequency). This variant has not been reported in the literature in individuals affected with FLNB-related conditions. ClinVar contains an entry for this variant (Variation ID: 2109772). Advanced modeling of protein sequence and biophysical properties (such as structural, functional, and spatial information, amino acid conservation, physicochemical variation, residue mobility, and thermodynamic stability) performed at Invitae indicates that this missense variant is not expected to disrupt FLNB protein function. In summary, the available evidence is currently insufficient to determine the role of this variant in disease. Therefore, it has been classified as a Variant of Uncertain Significance.

GeneDx
Classification: Uncertain significance. Last evaluated: 2023-01-10. Review status: criteria provided, single submitter. Criteria: GeneDx Variant Classification Process June 2021. Collection method: clinical testing. Allele origin: germline. Affected: yes.
Comment: Not observed at significant frequency in large population cohorts (gnomAD); In silico analysis supports that this missense variant has a deleterious effect on protein structure/function; Has not been previously published as pathogenic or benign to our knowledge